The following is an entry in ClinVar:

NM_006277.3(ITSN2):c.1311G>T (p.Glu437Asp)

Gene: ITSN2 (intersectin 2; minus strand). Cytogenetic location: 2p23.3.
Variant type: single nucleotide variant.
Coding change: c.1311G>T on transcript NM_006277.3 (MANE Select); coding-DNA position 1311, G replaced by T.
Protein change: p.Glu437Asp; replaces glutamic acid 437 with aspartic acid.
Molecular consequence: missense variant.
Genome position (GRCh38, 1-based): chr2:24,299,942, C>A on the plus strand (G>T on the coding strand, the complement: ITSN2 is on the minus strand). VCF-style: chr2-24299942-C-A. GRCh37 (hg19) VCF-style: chr2-24522811-C-A.
Other names: c.1269G>T, p.Glu423Asp (NM_001348181.2, NM_001348184.2); c.1311G>T, p.Glu437Asp (NM_001348182.2, NM_001348183.2, NM_001348185.2 and 3 more transcripts); short protein forms E423D, E437D.
Identifiers: ClinVar variation 3350410 (VCV003350410.2).

ClinVar aggregate classification (germline): Uncertain significance. Review status: criteria provided, single submitter (1 of 4 stars). 2 submissions from 2 submitters: Uncertain significance (1). 1 of the submissions does not count toward it. Last evaluated 2025-02-13.

Conditions:
ITSN2-related disorder. Also called: ITSN2-related condition.

gnomAD v4.1: 130 of 1,612,054 alleles (0.0081%); highest among the groups gnomAD compares: African/African-American, 0.16%; no homozygotes.

Submissions (2):

Labcorp Genetics (formerly Invitae), Labcorp
Classification: Uncertain significance. Last evaluated: 2025-02-13. Review status: criteria provided, single submitter. Criteria: Invitae Variant Classification Sherloc (09022015). Collection method: clinical testing. Allele origin: germline.
Comment: This sequence change replaces glutamic acid, which is acidic and polar, with aspartic acid, which is acidic and polar, at codon 437 of the ITSN2 protein (p.Glu437Asp). This variant is present in population databases (rs147837423, gnomAD 0.2%), and has an allele count higher than expected for a pathogenic variant. This variant has not been reported in the literature in individuals affected with ITSN2-related conditions. ClinVar contains an entry for this variant (Variation ID: 3350410). Experimental studies and prediction algorithms are not available or were not evaluated, and the functional significance of this variant is currently unknown. In summary, the available evidence is currently insufficient to determine the role of this variant in disease. Therefore, it has been classified as a Variant of Uncertain Significance.

PreventionGenetics, part of Exact Sciences
Classification: Likely benign for ITSN2-related condition. Last evaluated: 2024-04-20. Review status: no assertion criteria provided. Collection method: clinical testing. Allele origin: germline. Not counted in ClinVar's aggregate classification.
Comment: This variant is classified as likely benign based on ACMG/AMP sequence variant interpretation guidelines (Richards et al. 2015 PMID: 25741868, with internal and published modifications).